The following is an entry in ClinVar:

NM_007294.4(BRCA1):c.4926A>G (p.Ser1642=)

Gene: BRCA1 (BRCA1 DNA repair associated; minus strand). Cytogenetic location: 17q21.31.
Variant type: single nucleotide variant.
Coding change: c.4926A>G on transcript NM_007294.4 (MANE Select); coding-DNA position 4926, A replaced by G.
Protein change: p.Ser1642=; no amino-acid change (serine 1642 retained).
Molecular consequence: synonymous variant. On other transcripts: intron variant (1).
Genome position (GRCh38, 1-based): chr17:43,070,988, T>C on the plus strand (A>G on the coding strand, the complement: BRCA1 is on the minus strand). VCF-style: chr17-43070988-T-C. GRCh37 (hg19) VCF-style: chr17-41223005-T-C.
Other names: c.1350A>G, p.Ser450= (NM_001408502.1, NM_001408503.1, NM_001408504.1); c.1347A>G, p.Ser449= (NM_001408505.1); c.1290A>G, p.Ser430= (NM_001408506.1); c.1287A>G, p.Ser429= (NM_001408507.1); c.1278A>G, p.Ser426= (NM_001408508.1); c.1275A>G, p.Ser425= (NM_001408509.1); c.1236A>G, p.Ser412= (NM_001408510.1); c.1233A>G, p.Ser411= (NM_001408511.1); and 71 more.
Identifiers: ClinVar variation 868855 (VCV000868855.3), dbSNP rs2052376021, ClinGen allele CA500231644.

Conditions:
Breast-ovarian cancer, familial, susceptibility to, 1 (BROVCA1). Also called: BRCA1 Hereditary Breast and Ovarian Cancer; OVARIAN CANCER, SUSCEPTIBILITY TO. Identifiers: Orphanet 145, MedGen C2676676, MONDO:0011450, OMIM 604370. Disease mechanism: loss of function.

Submission:

Brotman Baty Institute, University of Washington
No classification provided (evidence only). Condition: Breast-ovarian cancer, familial 1. Review status: no classification provided. Collection method: in vitro. Allele origin: not applicable. Functional consequence: functionally_normal.
ClinVar note: "not provided" was previously submitted as the classification for the variant. However, the classification appeared to be based only on an observation of functional data so it was converted to no classification on 2025-07-30.